The following is an entry in ClinVar:

NM_001130823.3(DNMT1):c.898A>G (p.Lys300Glu)

Gene: DNMT1 (DNA methyltransferase 1; minus strand). Cytogenetic location: 19p13.2.
Variant type: single nucleotide variant.
Coding change: c.898A>G on transcript NM_001130823.3 (MANE Select); coding-DNA position 898, A replaced by G.
Protein change: p.Lys300Glu; replaces lysine 300 with glutamic acid.
Molecular consequence: missense variant.
Genome position (GRCh38, 1-based): chr19:10,163,354, T>C on the plus strand (A>G on the coding strand, the complement: DNMT1 is on the minus strand). VCF-style: chr19-10163354-T-C. GRCh37 (hg19) VCF-style: chr19-10274030-T-C.
Other names: p.Lys300Glu; c.850A>G, p.Lys284Glu (NM_001318730.2, NM_001379.4); c.535A>G, p.Lys179Glu (NM_001318731.2); short protein forms K300E, K179E, K284E.
Identifiers: ClinVar variation 1924070 (VCV001924070.3), dbSNP rs759143980, ClinGen allele CA403941047.
Genomic context (GRCh38, chr19:10,163,354, plus strand): 5'-GACACAAAAGCACAAGCATTTTAAACACTTACAGATCTTTGGGTTGACTTCTGTGCTTCT[T>C]CTCATCCTGACAGAAAAATAAGGGGGAGGTAGAGAGATAAAGAAGGGAAAAAATTAGTTT-3'
Protein context (NP_001124295.1, residues 290-310): EDEDGDEKDE[Lys300Glu]KHRSQPKDLA

ClinVar aggregate classification (germline): Uncertain significance. Review status: criteria provided, multiple submitters, no conflicts (2 of 4 stars). 2 submissions from 2 submitters: Uncertain significance (2). Last evaluated 2025-08-20.

Conditions:
Hereditary sensory neuropathy-deafness-dementia syndrome. Also called: NEUROPATHY, HEREDITARY SENSORY, WITH HEARING LOSS AND DEMENTIA; Hereditary Sensory and Autonomic Neuropathy Type 1E (HSAN1E); Hereditary sensory neuropathy type IE; HSN IE. Identifiers: Orphanet 456318, MedGen C3279885, MONDO:0013584, OMIM 614116.

gnomAD v4.1: 4 of 1,613,952 alleles (0.00025%); highest among the groups gnomAD compares: Non-Finnish European, 0.00034%; no homozygotes.

Submissions (2):

Mayo Clinic Laboratories, Mayo Clinic
Classification: Uncertain significance. Last evaluated: 2025-08-20. Review status: criteria provided, single submitter. Criteria: ACMG Guidelines, 2015. Collection method: clinical testing. Allele origin: germline. Observed: 1 variant allele.
Comment: BP4_moderate

Labcorp Genetics (formerly Invitae), Labcorp
Classification: Uncertain significance for Hereditary sensory neuropathy-deafness-dementia syndrome. Last evaluated: 2022-09-30. Review status: criteria provided, single submitter. Criteria: Invitae Variant Classification Sherloc (09022015). Collection method: clinical testing. Allele origin: germline.
Comment: This sequence change replaces lysine, which is basic and polar, with glutamic acid, which is acidic and polar, at codon 300 of the DNMT1 protein (p.Lys300Glu). This variant is not present in population databases (gnomAD no frequency). This variant has not been reported in the literature in individuals affected with DNMT1-related conditions. Algorithms developed to predict the effect of missense changes on protein structure and function (SIFT, PolyPhen-2, Align-GVGD) all suggest that this variant is likely to be tolerated. In summary, the available evidence is currently insufficient to determine the role of this variant in disease. Therefore, it has been classified as a Variant of Uncertain Significance.